The following is an entry in ClinVar:

ClinVar aggregate classification (germline): Uncertain significance (1 of 4 stars; one submission).

Conditions:
Neuroblastoma, susceptibility to, 3. Also called: ALK-Related Neuroblastic Tumor Susceptibility. Identifiers: Orphanet 635, MedGen C2751681, MONDO:0013083, OMIM 613014.

Submission:

Labcorp Genetics (formerly Invitae), Labcorp
Classification: Uncertain significance for Neuroblastoma, susceptibility to, 3. Last evaluated: 2024-02-08. Review status: criteria provided, single submitter. Criteria: Invitae Variant Classification Sherloc (09022015). Collection method: clinical testing. Allele origin: germline.
Comment: This sequence change affects the initiator methionine of the ALK mRNA. The next in-frame methionine is located at codon 23. This variant is not present in population databases (gnomAD no frequency). This variant has not been reported in the literature in individuals affected with ALK-related conditions. Experimental studies and prediction algorithms are not available or were not evaluated, and the functional significance of this variant is currently unknown. In summary, the available evidence is currently insufficient to determine the role of this variant in disease. Therefore, it has been classified as a Variant of Uncertain Significance.

NM_004304.5(ALK):c.2T>C (p.Met1Thr)

Gene: ALK (ALK receptor tyrosine kinase; minus strand). Cytogenetic location: 2p23.1.
Variant type: single nucleotide variant.
Coding change: c.2T>C on transcript NM_004304.5 (MANE Select); coding-DNA position 2, T replaced by C.
Protein change: p.Met1Thr; changes the start codon (methionine 1).
Molecular consequence: missense variant, initiator codon variant.
Genome position (GRCh38, 1-based): chr2:29,920,658, A>G on the plus strand (T>C on the coding strand, the complement: ALK is on the minus strand). VCF-style: chr2-29920658-A-G. GRCh37 (hg19) VCF-style: chr2-30143524-A-G.
Other names: short protein forms M1T.
Identifiers: ClinVar variation 2724837 (VCV002724837.3), dbSNP rs2148444203, ClinGen allele CA346590877.